The following is an entry in ClinVar:

ClinVar aggregate classification (germline): Uncertain significance (1 of 4 stars; one submission).

Conditions:
Ellis-van Creveld syndrome (EVC). Also called: EVC-Related Ellis-van Creveld Syndrome; EVC2-Related Ellis-van Creveld Syndrome; Chondroectodermal dysplasia; MESOECTODERMAL DYSPLASIA. Identifiers: Orphanet 289, MedGen C0013903, MONDO:0009162, OMIM 225500.
Curry-Hall syndrome (WAD). Also called: WEYERS ACRODENTAL DYSOSTOSIS. Identifiers: Orphanet 952, MedGen C0457013, MONDO:0008673, OMIM 193530.

Allele frequency attached by ClinVar (database versions not stated): gnomAD exomes below 0.00001 and 0.00001; gnomAD 0.00001; TOPMed 0.00001; ExAC 0.00002.
gnomAD v4.1: 8 of 1,614,064 alleles (0.0005%); highest among the groups gnomAD compares: Admixed American, 0.0017%; no homozygotes.

Submission:

Labcorp Genetics (formerly Invitae), Labcorp
Classification: Uncertain significance for Curry-Hall syndrome; Ellis-van Creveld syndrome. Last evaluated: 2024-08-06. Review status: criteria provided, single submitter. Criteria: Invitae Variant Classification Sherloc (09022015). Collection method: clinical testing. Allele origin: germline.
Comment: This sequence change replaces leucine, which is neutral and non-polar, with proline, which is neutral and non-polar, at codon 1285 of the EVC2 protein (p.Leu1285Pro). This variant is present in population databases (rs746578489, gnomAD 0.002%). This variant has not been reported in the literature in individuals affected with EVC2-related conditions. ClinVar contains an entry for this variant (Variation ID: 1016807). An algorithm developed to predict the effect of missense changes on protein structure and function (PolyPhen-2) suggests that this variant is likely to be tolerated. In summary, the available evidence is currently insufficient to determine the role of this variant in disease. Therefore, it has been classified as a Variant of Uncertain Significance.

NM_147127.5(EVC2):c.3854T>C (p.Leu1285Pro)

Gene: EVC2 (EvC ciliary complex subunit 2; minus strand). Cytogenetic location: 4p16.2.
Variant type: single nucleotide variant.
Coding change: c.3854T>C on transcript NM_147127.5 (MANE Select); coding-DNA position 3854, T replaced by C.
Protein change: p.Leu1285Pro; replaces leucine 1285 with proline.
Molecular consequence: missense variant.
Genome position (GRCh38, 1-based): chr4:5,562,921, A>G on the plus strand (T>C on the coding strand, the complement: EVC2 is on the minus strand). VCF-style: chr4-5562921-A-G. GRCh37 (hg19) VCF-style: chr4-5564648-A-G.
Other names: c.3614T>C, p.Leu1205Pro (NM_001166136.2); short protein forms L1205P, L1285P.
Identifiers: ClinVar variation 1016807 (VCV001016807.9), dbSNP rs746578489, ClinGen allele CA2834170.
Genomic context (GRCh38, chr4:5,562,921, plus strand): 5'-AAGGCCCTCATGGCCTTTTTGGCATTCAAAAAGTTCTTCTTTTTCCTGGGAGGAACGTGC[A>G]GTGAGATCTCTGGCTCCTTTGGATTTCTGAATATAAAGAGCTTCTCTCCTGTGTTTAATA-3'
Protein context (NP_667338.3, residues 1275-1295): FRNPKEPEIS[Leu1285Pro]HVPPRKKKNF